The following is an entry in ClinVar:

ClinVar aggregate classification (germline): Uncertain significance (1 of 4 stars; one submission).

Allele frequency attached by ClinVar (database versions not stated): ExAC 0.00001; gnomAD exomes 0.00001; gnomAD 0.00003; TOPMed 0.00004.

Submission:

Labcorp Genetics (formerly Invitae), Labcorp
Classification: Uncertain significance. Last evaluated: 2022-04-22. Review status: criteria provided, single submitter. Criteria: Invitae Variant Classification Sherloc (09022015). Collection method: clinical testing. Allele origin: germline.
Comment: This sequence change replaces alanine, which is neutral and non-polar, with threonine, which is neutral and polar, at codon 91 of the CXCR2 protein (p.Ala91Thr). This variant is present in population databases (rs752383293, gnomAD 0.008%). This variant has not been reported in the literature in individuals affected with CXCR2-related conditions. Algorithms developed to predict the effect of missense changes on protein structure and function are either unavailable or do not agree on the potential impact of this missense change (SIFT: "Tolerated"; PolyPhen-2: "Probably Damaging"; Align-GVGD: "Class C0"). In summary, the available evidence is currently insufficient to determine the role of this variant in disease. Therefore, it has been classified as a Variant of Uncertain Significance.

NM_001557.4(CXCR2):c.271G>A (p.Ala91Thr)

Gene: CXCR2 (C-X-C motif chemokine receptor 2; plus strand). Cytogenetic location: 2q35.
Variant type: single nucleotide variant.
Coding change: c.271G>A on transcript NM_001557.4 (MANE Select); coding-DNA position 271, G replaced by A.
Protein change: p.Ala91Thr; replaces alanine 91 with threonine.
Molecular consequence: missense variant.
Genome position (GRCh38, 1-based): chr2:218,135,072, G>A. VCF-style: chr2-218135072-G-A. GRCh37 (hg19) VCF-style: chr2-218999795-G-A.
Other names: c.271G>A, p.Ala91Thr (NM_001168298.2); short protein forms A91T.
Identifiers: ClinVar variation 1950651 (VCV001950651.3), dbSNP rs752383293, ClinGen allele CA2101677.